The following is an entry in ClinVar:

NM_001372.4(DNAH9):c.4441A>G (p.Asn1481Asp)

Gene: DNAH9 (dynein axonemal heavy chain 9; plus strand). Cytogenetic location: 17p12.
Variant type: single nucleotide variant.
Coding change: c.4441A>G on transcript NM_001372.4 (MANE Select); coding-DNA position 4441, A replaced by G.
Protein change: p.Asn1481Asp; replaces asparagine 1481 with aspartic acid.
Molecular consequence: missense variant.
Genome position (GRCh38, 1-based): chr17:11,690,263, A>G. VCF-style: chr17-11690263-A-G. GRCh37 (hg19) VCF-style: chr17-11593580-A-G.
Other names: short protein forms N1481D.
Identifiers: ClinVar variation 2722357 (VCV002722357.2), dbSNP rs147315705, ClinGen allele CA8395670.

ClinVar aggregate classification (germline): Uncertain significance. Review status: criteria provided, multiple submitters, no conflicts (2 of 4 stars). 2 submissions from 2 submitters: Uncertain significance (2). Last evaluated 2024-10-16.

Allele frequency attached by ClinVar (database versions not stated): gnomAD exomes 0.00004; gnomAD 0.00005; TOPMed 0.00009; ExAC 0.00015; 1000 Genomes Project 30x 0.00031; 1000 Genomes Project 0.00040.
gnomAD v4.1: 60 of 1,614,174 alleles (0.0037%); highest among the groups gnomAD compares: East Asian, 0.12%; no homozygotes.

Submissions (2):

Blueprint Genetics
Classification: Uncertain significance. Last evaluated: 2024-10-16. Review status: criteria provided, single submitter. Criteria: ACMG Guidelines, 2015. Collection method: clinical testing. Allele origin: germline.

Labcorp Genetics (formerly Invitae), Labcorp
Classification: Uncertain significance. Last evaluated: 2023-09-17. Review status: criteria provided, single submitter. Criteria: Invitae Variant Classification Sherloc (09022015). Collection method: clinical testing. Allele origin: germline.
Comment: In summary, the available evidence is currently insufficient to determine the role of this variant in disease. Therefore, it has been classified as a Variant of Uncertain Significance. Advanced modeling of protein sequence and biophysical properties (such as structural, functional, and spatial information, amino acid conservation, physicochemical variation, residue mobility, and thermodynamic stability) has been performed at Invitae for this missense variant, however the output from this modeling did not meet the statistical confidence thresholds required to predict the impact of this variant on DNAH9 protein function. This variant has not been reported in the literature in individuals affected with DNAH9-related conditions. This variant is present in population databases (rs147315705, gnomAD 0.2%). This sequence change replaces asparagine, which is neutral and polar, with aspartic acid, which is acidic and polar, at codon 1481 of the DNAH9 protein (p.Asn1481Asp).